The following is an entry in ClinVar:

ClinVar aggregate classification (germline): Conflicting classifications of pathogenicity. Review status: criteria provided, conflicting classifications (1 of 4 stars). 3 submissions from 3 submitters: Uncertain significance (2); Likely benign (1). Last evaluated 2024-04-01.

Conditions:
Imerslund-Grasbeck syndrome type 1 (IGS1). Also called: Imerslund-Gräsbeck syndrome 1; Megaloblastic anemia 1, Finnish type; MEGALOBLASTIC ANEMIA, 1. Identifiers: MedGen C4016819, MONDO:0100156, OMIM 261100.
Proteinuria, chronic benign. Identifiers: MedGen C5394384, MONDO:0030042, OMIM 618884.
Inborn genetic diseases. Identifiers: MedGen C0950123, MeSH D030342.
Imerslund-Grasbeck syndrome. Also called: ENTEROCYTE COBALAMIN MALABSORPTION; ENTEROCYTE INTRINSIC FACTOR RECEPTOR, DEFECT OF; PERNICIOUS ANEMIA, JUVENILE, DUE TO SELECTIVE INTESTINAL MALABSORPTION OF VITAMIN B12, WITH PROTEINURIA; Imerslund-Gräsbeck syndrome; Megaloblastic anemia due to inborn errors of metabolism. Identifiers: Orphanet 35858, MedGen C4551825, MONDO:0009853.

Allele frequency attached by ClinVar (database versions not stated): TOPMed 0.00002; ExAC 0.00006; gnomAD exomes 0.00010; gnomAD 0.00005.
gnomAD v4.1: 144 of 1,607,422 alleles (0.009%); highest among the groups gnomAD compares: Non-Finnish European, 0.012%; no homozygotes.

Submissions (3):

Fulgent Genetics
Classification: Uncertain significance for Imerslund-Grasbeck syndrome type 1; Proteinuria, chronic benign. Last evaluated: 2024-04-01. Review status: criteria provided, single submitter. Criteria: ACMG Guidelines, 2015. Collection method: clinical testing. Allele origin: germline.

Ambry Genetics
Classification: Likely benign for Inborn genetic diseases. Last evaluated: 2023-12-08. Review status: criteria provided, single submitter. Criteria: Ambry Variant Classification Scheme 2023. Collection method: clinical testing. Allele origin: germline.

Labcorp Genetics (formerly Invitae), Labcorp
Classification: Uncertain significance for Imerslund-Grasbeck syndrome. Last evaluated: 2022-06-15. Review status: criteria provided, single submitter. Criteria: Invitae Variant Classification Sherloc (09022015). Collection method: clinical testing. Allele origin: germline.
Comment: This sequence change replaces glutamic acid, which is acidic and polar, with glycine, which is neutral and non-polar, at codon 476 of the CUBN protein (p.Glu476Gly). This variant is present in population databases (rs756449782, gnomAD 0.009%). This variant has not been reported in the literature in individuals affected with CUBN-related conditions. Algorithms developed to predict the effect of missense changes on protein structure and function output the following: SIFT: "Tolerated"; PolyPhen-2: "Benign"; Align-GVGD: "Class C0". The glycine amino acid residue is found in multiple mammalian species, which suggests that this missense change does not adversely affect protein function. In summary, the available evidence is currently insufficient to determine the role of this variant in disease. Therefore, it has been classified as a Variant of Uncertain Significance.

NM_001081.4(CUBN):c.1427A>G (p.Glu476Gly)

Gene: CUBN (cubilin; minus strand). Cytogenetic location: 10p13.
Variant type: single nucleotide variant.
Coding change: c.1427A>G on transcript NM_001081.4 (MANE Select); coding-DNA position 1427, A replaced by G.
Protein change: p.Glu476Gly; replaces glutamic acid 476 with glycine.
Molecular consequence: missense variant.
Genome position (GRCh38, 1-based): chr10:17,103,228, T>C on the plus strand (A>G on the coding strand, the complement: CUBN is on the minus strand). VCF-style: chr10-17103228-T-C. GRCh37 (hg19) VCF-style: chr10-17145227-T-C.
Other names: short protein forms E476G.
Identifiers: ClinVar variation 2061253 (VCV002061253.3), dbSNP rs756449782, ClinGen allele CA5425282.